The following is an entry in ClinVar:

ClinVar aggregate classification (germline): Likely benign (1 of 4 stars; one submission).

Conditions:
Parkinson disease, late-onset (PD). Also called: Susceptibility to Parkinson's Disease; Hereditary late onset Parkinson disease; PARKINSON DISEASE, LATE-ONSET, SUSCEPTIBILITY TO. Identifiers: Orphanet 411602, MedGen C3160718, MONDO:0008199, OMIM 168600.

Allele frequency attached by ClinVar (database versions not stated): 1000 Genomes Project 0.00040; gnomAD 0.00045 and 0.00049; 1000 Genomes Project 30x 0.00047; TOPMed 0.00064.

Submission:

Illumina Laboratory Services, Illumina
Classification: Likely benign for Parkinson disease, late-onset. Last evaluated: 2018-01-13. Review status: criteria provided, single submitter. Criteria: ICSL Variant Classification Criteria 13 December 2019. Collection method: clinical testing. Allele origin: germline.
Comment: This variant was observed in the ICSL laboratory as part of a predisposition screen in an ostensibly healthy population. It had not been previously curated by ICSL or reported in the Human Gene Mutation Database (HGMD: prior to June 1st, 2018), and was therefore a candidate for classification through an automated scoring system. Utilizing variant allele frequency, disease prevalence and penetrance estimates, and inheritance mode, an automated score was calculated to assess if this variant is too frequent to cause the disease. Based on the score and internal cut-off values, a variant classified as likely benign is not then subjected to further curation. The score for this variant resulted in a classification of likely benign for this disease.

NM_006186.4(NR4A2):c.*1249A>G

Gene: NR4A2 (nuclear receptor subfamily 4 group A member 2; minus strand). Cytogenetic location: 2q24.1.
Variant type: single nucleotide variant.
Coding change: c.*1249A>G on transcript NM_006186.4 (MANE Select); 1249 bases downstream of the stop codon, A replaced by G.
Molecular consequence: 3 prime UTR variant.
Genome position (GRCh38, 1-based): chr2:156,324,495, T>C on the plus strand (A>G on the coding strand, the complement: NR4A2 is on the minus strand). VCF-style: chr2-156324495-T-C. GRCh37 (hg19) VCF-style: chr2-157181007-T-C.
Other names: c.*1249A>G (NM_173173.3).
Identifiers: ClinVar variation 892745 (VCV000892745.4), dbSNP rs564495914, ClinGen allele CA59154689.